The following is an entry in ClinVar:

NM_012186.3(FOXE3):c.467A>C (p.Asp156Ala)

Genes: FOXE3 (forkhead box E3; plus strand), LINC01389 (long intergenic non-protein coding RNA 1389; minus strand). Cytogenetic location: 1p33.
Variant type: single nucleotide variant.
Coding change: c.467A>C on transcript NM_012186.3 (MANE Select); coding-DNA position 467, A replaced by C.
Protein change: p.Asp156Ala; replaces aspartic acid 156 with alanine.
Molecular consequence: missense variant.
Genome position (GRCh38, 1-based): chr1:47,416,782, A>C. VCF-style: chr1-47416782-A-C. GRCh37 (hg19) VCF-style: chr1-47882454-A-C.
Other names: short protein forms D156A.
Identifiers: ClinVar variation 4689969 (VCV004689969.1).

ClinVar aggregate classification (germline): Uncertain significance (1 of 4 stars; one submission).

Submission:

GeneDx
Classification: Uncertain significance. Last evaluated: 2025-07-31. Review status: criteria provided, single submitter. Criteria: GeneDx Variant Classification Process June 2021. Collection method: clinical testing. Allele origin: germline. Affected: yes.
Comment: Not observed at significant frequency in large population cohorts (gnomAD); In silico analysis supports that this missense variant has a deleterious effect on protein structure/function; Has not been previously published as pathogenic or benign to our knowledge